The following is an entry in ClinVar:

NM_145167.3(PIGM):c.829A>G (p.Met277Val)

Gene: PIGM (phosphatidylinositol glycan anchor biosynthesis class M; minus strand). Cytogenetic location: 1q23.2.
Variant type: single nucleotide variant.
Coding change: c.829A>G on transcript NM_145167.3 (MANE Select); coding-DNA position 829, A replaced by G.
Protein change: p.Met277Val; replaces methionine 277 with valine.
Molecular consequence: missense variant.
Genome position (GRCh38, 1-based): chr1:160,030,911, T>C on the plus strand (A>G on the coding strand, the complement: PIGM is on the minus strand). VCF-style: chr1-160030911-T-C. GRCh37 (hg19) VCF-style: chr1-160000701-T-C.
Other names: short protein forms M277V.
Identifiers: ClinVar variation 4800157 (VCV004800157.1).

ClinVar aggregate classification (germline): Uncertain significance (1 of 4 stars; one submission).

Conditions:
Hypercoagulability syndrome due to glycosylphosphatidylinositol deficiency (GPIBD1). Also called: GLYCOSYLPHOSPHATIDYLINOSITOL BIOSYNTHESIS DEFECT 1. Identifiers: Orphanet 83639, MedGen C5201145, MONDO:0012465, OMIM 610293.

gnomAD v4.1: 26 of 1,614,078 alleles (0.0016%); highest among the groups gnomAD compares: South Asian, 0.0077%; no homozygotes.

Submission:

Labcorp Genetics (formerly Invitae), Labcorp
Classification: Uncertain significance for Hypercoagulability syndrome due to glycosylphosphatidylinositol deficiency. Last evaluated: 2025-09-20. Review status: criteria provided, single submitter. Criteria: Invitae Variant Classification Sherloc (09022015). Collection method: clinical testing. Allele origin: germline.
Comment: This sequence change replaces methionine, which is neutral and non-polar, with valine, which is neutral and non-polar, at codon 277 of the PIGM protein (p.Met277Val). This variant is present in population databases (no rsID available, gnomAD 0.003%). This variant has not been reported in the literature in individuals affected with PIGM-related conditions. Invitae Evidence Modeling of protein sequence and biophysical properties (such as structural, functional, and spatial information, amino acid conservation, physicochemical variation, residue mobility, and thermodynamic stability) indicates that this missense variant is not expected to disrupt PIGM protein function with a negative predictive value of 80%. In summary, the available evidence is currently insufficient to determine the role of this variant in disease. Therefore, it has been classified as a Variant of Uncertain Significance.